The following is an entry in ClinVar:

NM_005896.4(IDH1):c.506T>C (p.Val169Ala)

Gene: IDH1 (isocitrate dehydrogenase (NADP(+)) 1; minus strand). Cytogenetic location: 2q34.
Variant type: single nucleotide variant.
Coding change: c.506T>C on transcript NM_005896.4 (MANE Select); coding-DNA position 506, T replaced by C.
Protein change: p.Val169Ala; replaces valine 169 with alanine.
Molecular consequence: missense variant.
Genome position (GRCh38, 1-based): chr2:208,245,333, A>G on the plus strand (T>C on the coding strand, the complement: IDH1 is on the minus strand). VCF-style: chr2-208245333-A-G. GRCh37 (hg19) VCF-style: chr2-209110057-A-G.
Other names: c.506T>C, p.Val169Ala (NM_001282386.1, NM_001282387.1); short protein forms V169A.
Identifiers: ClinVar variation 3285233 (VCV003285233.1).

ClinVar aggregate classification (germline): Uncertain significance (1 of 4 stars; one submission).

gnomAD v4.1: 1 of 1,578,892 alleles (0.000063%); highest among the groups gnomAD compares: African/African-American, 0.0013%; no homozygotes.

Submission:

Ambry Genetics
Classification: Uncertain significance. Last evaluated: 2024-03-30. Review status: criteria provided, single submitter. Criteria: Ambry Variant Classification Scheme 2023. Collection method: clinical testing. Allele origin: germline.
Comment: The p.V169A variant (also known as c.506T>C), located in coding exon 3 of the IDH1 gene, results from a T to C substitution at nucleotide position 506. The valine at codon 169 is replaced by alanine, an amino acid with similar properties. This amino acid position is conserved. In addition, the in silico prediction for this alteration is inconclusive. Based on the available evidence, the clinical significance of this alteration remains unclear.